The following is an entry in ClinVar:

NM_000535.7(PMS2):c.1276C>G (p.Leu426Val)

Gene: PMS2 (PMS1 homolog 2, mismatch repair system component; minus strand). Cytogenetic location: 7p22.1.
Variant type: single nucleotide variant.
Coding change: c.1276C>G on transcript NM_000535.7 (MANE Select); coding-DNA position 1276, C replaced by G.
Protein change: p.Leu426Val; replaces leucine 426 with valine.
Molecular consequence: missense variant. On other transcripts: non-coding transcript variant (1), intron variant (1).
Genome position (GRCh38, 1-based): chr7:5,987,489, G>C on the plus strand (C>G on the coding strand, the complement: PMS2 is on the minus strand). VCF-style: chr7-5987489-G-C. GRCh37 (hg19) VCF-style: chr7-6027120-G-C.
Other names: c.1078C>G, p.Leu360Val (NM_001406873.1); c.1108C>G, p.Leu370Val (NM_001406874.1); c.967C>G, p.Leu323Val (NM_001406875.1, NM_001406877.1, NM_001406878.1 and 5 more transcripts); c.958C>G, p.Leu320Val (NM_001406876.1, NM_001322007.2, NM_001322008.2 and 2 more transcripts); c.871C>G, p.Leu291Val (NM_001406892.1, NM_001406893.1, NM_001406894.1 and 17 more transcripts); c.811C>G, p.Leu271Val (NM_001406900.1); c.802C>G, p.Leu268Val (NM_001406901.1, NM_001406902.1); c.505C>G, p.Leu169Val (NM_001406911.1); and 13 more; short protein forms L235V, L268V, L271V, L314V, L323V, L169V, L291V, L390V.
Identifiers: ClinVar variation 2795839 (VCV002795839.3), dbSNP rs2128734575, ClinGen allele CA366742433.

ClinVar aggregate classification (germline): Uncertain significance (1 of 4 stars; one submission).

Conditions:
Hereditary nonpolyposis colorectal neoplasms. Identifiers: MedGen C0009405, MeSH D003123.

Submission:

Labcorp Genetics (formerly Invitae), Labcorp
Classification: Uncertain significance for Hereditary nonpolyposis colorectal neoplasms. Last evaluated: 2023-01-22. Review status: criteria provided, single submitter. Criteria: Invitae Variant Classification Sherloc (09022015). Collection method: clinical testing. Allele origin: germline.
Comment: In summary, the available evidence is currently insufficient to determine the role of this variant in disease. Therefore, it has been classified as a Variant of Uncertain Significance. This sequence change replaces leucine, which is neutral and non-polar, with valine, which is neutral and non-polar, at codon 426 of the PMS2 protein (p.Leu426Val). This variant is not present in population databases (gnomAD no frequency). This variant has not been reported in the literature in individuals affected with PMS2-related conditions. Advanced modeling of protein sequence and biophysical properties (such as structural, functional, and spatial information, amino acid conservation, physicochemical variation, residue mobility, and thermodynamic stability) performed at Invitae indicates that this missense variant is expected to disrupt PMS2 protein function.